The following is an entry in ClinVar:

NM_032776.3(JMJD1C):c.3202A>G (p.Met1068Val)

Gene: JMJD1C (jumonji domain containing 1C; minus strand). Cytogenetic location: 10q21.3.
Variant type: single nucleotide variant.
Coding change: c.3202A>G on transcript NM_032776.3 (MANE Select); coding-DNA position 3202, A replaced by G.
Protein change: p.Met1068Val; replaces methionine 1068 with valine.
Molecular consequence: missense variant. On other transcripts: non-coding transcript variant (1).
Genome position (GRCh38, 1-based): chr10:63,208,467, T>C on the plus strand (A>G on the coding strand, the complement: JMJD1C is on the minus strand). VCF-style: chr10-63208467-T-C. GRCh37 (hg19) VCF-style: chr10-64968227-T-C.
Other names: c.3202A>G (NM_032776.1); c.2656A>G, p.Met886Val (NM_001282948.2, NM_001318154.2); c.2338A>G, p.Met780Val (NM_001318153.2); c.3088A>G, p.Met1030Val (NM_001322252.2); c.2545A>G, p.Met849Val (NM_001322254.2, NM_001322258.2); short protein forms M1068V, M886V, M1030V, M780V, M849V.
Identifiers: ClinVar variation 2855251 (VCV002855251.4), dbSNP rs375717203, ClinGen allele CA208372325.
Genomic context (GRCh38, chr10:63,208,467, plus strand): 5'-AACTCTGAGGCACTGAGTGCTTCATTTTATAAAGATCTGATACTGAGCGTTCTACATCCA[T>C]ATCTTGTTTGATGATATGGCTTTTAGGACTGGAAGATGATGATGCCACTCTGGAATAATT-3'
Protein context (NP_116165.1, residues 1058-1078): SPKSHIIKQD[Met1068Val]DVERSVSDLY

ClinVar aggregate classification (germline): Uncertain significance. Review status: criteria provided, multiple submitters, no conflicts (2 of 4 stars). 2 submissions from 2 submitters: Uncertain significance (2). Last evaluated 2024-04-20.

Conditions:
Early Myoclonic Encephalopathy. Identifiers: MedGen C0270855.

Allele frequency attached by ClinVar (database versions not stated): gnomAD 0.00005; TOPMed 0.00004; ESP Exome Variant Server 0.00017; gnomAD exomes 0.00001.

Submissions (2):

Ambry Genetics
Classification: Uncertain significance. Last evaluated: 2024-04-20. Review status: criteria provided, single submitter. Criteria: Ambry Variant Classification Scheme 2023. Collection method: clinical testing. Allele origin: germline.

Labcorp Genetics (formerly Invitae), Labcorp
Classification: Uncertain significance for Early Myoclonic Encephalopathy. Last evaluated: 2023-05-22. Review status: criteria provided, single submitter. Criteria: Invitae Variant Classification Sherloc (09022015). Collection method: clinical testing. Allele origin: germline.
Comment: This sequence change replaces methionine, which is neutral and non-polar, with valine, which is neutral and non-polar, at codon 1068 of the JMJD1C protein (p.Met1068Val). This variant is present in population databases (rs375717203, gnomAD 0.02%). This variant has not been reported in the literature in individuals affected with JMJD1C-related conditions. Advanced modeling of protein sequence and biophysical properties (such as structural, functional, and spatial information, amino acid conservation, physicochemical variation, residue mobility, and thermodynamic stability) performed at Invitae indicates that this missense variant is not expected to disrupt JMJD1C protein function. In summary, the available evidence is currently insufficient to determine the role of this variant in disease. Therefore, it has been classified as a Variant of Uncertain Significance.